The following is an entry in ClinVar:

ClinVar aggregate classification (germline): Uncertain significance (1 of 4 stars; one submission).

Conditions:
Rubinstein-Taybi syndrome (RSTS). Identifiers: Orphanet 783, MedGen C0035934, MONDO:0019188.

Submission:

Labcorp Genetics (formerly Invitae), Labcorp
Classification: Uncertain significance for Rubinstein-Taybi syndrome. Last evaluated: 2024-05-06. Review status: criteria provided, single submitter. Criteria: Invitae Variant Classification Sherloc (09022015). Collection method: clinical testing. Allele origin: germline.
Comment: This sequence change replaces proline, which is neutral and non-polar, with arginine, which is basic and polar, at codon 10 of the CREBBP protein (p.Pro10Arg). This variant is not present in population databases (gnomAD no frequency). This variant has not been reported in the literature in individuals affected with CREBBP-related conditions. Advanced modeling of protein sequence and biophysical properties (such as structural, functional, and spatial information, amino acid conservation, physicochemical variation, residue mobility, and thermodynamic stability) has been performed at Invitae for this missense variant, however the output from this modeling did not meet the statistical confidence thresholds required to predict the impact of this variant on CREBBP protein function. In summary, the available evidence is currently insufficient to determine the role of this variant in disease. Therefore, it has been classified as a Variant of Uncertain Significance.

NM_004380.3(CREBBP):c.29C>G (p.Pro10Arg)

Gene: CREBBP (CREB binding lysine acetyltransferase; minus strand). Cytogenetic location: 16p13.3.
Variant type: single nucleotide variant.
Coding change: c.29C>G on transcript NM_004380.3 (MANE Select); coding-DNA position 29, C replaced by G.
Protein change: p.Pro10Arg; replaces proline 10 with arginine.
Molecular consequence: missense variant.
Genome position (GRCh38, 1-based): chr16:3,879,888, G>C on the plus strand (C>G on the coding strand, the complement: CREBBP is on the minus strand). VCF-style: chr16-3879888-G-C. GRCh37 (hg19) VCF-style: chr16-3929889-G-C.
Other names: c.29C>G, p.Pro10Arg (NM_001079846.1); short protein forms P10R.
Identifiers: ClinVar variation 3637269 (VCV003637269.2).
Genomic context (GRCh38, chr16:3,879,888, plus strand): 5'-TCACCTGTGCTGTCATTCGCCGAGAAACCGGGCGAGCTGAGTTTGGCTCTTTTGGGGTTG[G>C]GCGGTCCGTCCAGCAAGTTCTCAGCCATTTTCACCTGCTCGCGAAAACAGCCCCGGGCAC-3'
Protein context (NP_004371.2, residues 1-20): MAENLLDGP[Pro10Arg]NPKRAKLSSP